The following is an entry in ClinVar:

NM_144599.5(NIPA1):c.796G>A (p.Val266Ile)

Gene: NIPA1 (NIPA magnesium transporter 1; plus strand). Cytogenetic location: 15q11.2.
Variant type: single nucleotide variant.
Coding change: c.796G>A on transcript NM_144599.5 (MANE Select); coding-DNA position 796, G replaced by A.
Protein change: p.Val266Ile; replaces valine 266 with isoleucine.
Molecular consequence: missense variant.
Genome position (GRCh38, 1-based): chr15:22,824,045, G>A. VCF-style: chr15-22824045-G-A. GRCh37 (hg19) VCF-style: chr15-23049023-C-T.
Other names: c.571G>A, p.Val191Ile (NM_001142275.1); short protein forms V191I, V266I.
Identifiers: ClinVar variation 2417237 (VCV002417237.5), dbSNP rs1448589516, ClinGen allele CA391304188.

ClinVar aggregate classification (germline): Uncertain significance (1 of 4 stars; one submission).

Conditions:
Hereditary spastic paraplegia 6 (SPG6). Also called: SPASTIC PARAPLEGIA 6, AUTOSOMAL DOMINANT. Identifiers: Orphanet 100988, MedGen C1838192, MONDO:0010878, OMIM 600363.

Allele frequency attached by ClinVar (database versions not stated): gnomAD exomes 0.00001.
gnomAD v4.1: 11 of 1,614,090 alleles (0.00068%); highest among the groups gnomAD compares: Non-Finnish European, 0.00093%; no homozygotes.

Submission:

Labcorp Genetics (formerly Invitae), Labcorp
Classification: Uncertain significance for Hereditary spastic paraplegia 6. Last evaluated: 2024-03-11. Review status: criteria provided, single submitter. Criteria: Invitae Variant Classification Sherloc (09022015). Collection method: clinical testing. Allele origin: germline.
Comment: This sequence change replaces valine, which is neutral and non-polar, with isoleucine, which is neutral and non-polar, at codon 266 of the NIPA1 protein (p.Val266Ile). The frequency data for this variant in the population databases is considered unreliable, as metrics indicate poor data quality at this position in the gnomAD database. This variant has not been reported in the literature in individuals affected with NIPA1-related conditions. ClinVar contains an entry for this variant (Variation ID: 2417237). An algorithm developed to predict the effect of missense changes on protein structure and function (PolyPhen-2) suggests that this variant is likely to be disruptive. In summary, the available evidence is currently insufficient to determine the role of this variant in disease. Therefore, it has been classified as a Variant of Uncertain Significance.